The following is an entry in ClinVar:

ClinVar aggregate classification (germline): Uncertain significance (1 of 4 stars; one submission).

Allele frequency attached by ClinVar (database versions not stated): gnomAD exomes below 0.00001; TOPMed below 0.00001; ExAC 0.00001; gnomAD 0.00001.
gnomAD v4.1: 5 of 1,613,706 alleles (0.00031%); highest among the groups gnomAD compares: Non-Finnish European, 0.00042%; no homozygotes.

Submission:

Labcorp Genetics (formerly Invitae), Labcorp
Classification: Uncertain significance. Last evaluated: 2024-11-11. Review status: criteria provided, single submitter. Criteria: Invitae Variant Classification Sherloc (09022015). Collection method: clinical testing. Allele origin: germline.
Comment: This sequence change replaces aspartic acid, which is acidic and polar, with asparagine, which is neutral and polar, at codon 829 of the CDH3 protein (p.Asp829Asn). This variant is present in population databases (rs771664763, gnomAD 0.003%). This variant has not been reported in the literature in individuals affected with CDH3-related conditions. ClinVar contains an entry for this variant (Variation ID: 1933442). An algorithm developed to predict the effect of missense changes on protein structure and function outputs the following: PolyPhen-2: "Benign". The asparagine amino acid residue is found in multiple mammalian species, which suggests that this missense change does not adversely affect protein function. In summary, the available evidence is currently insufficient to determine the role of this variant in disease. Therefore, it has been classified as a Variant of Uncertain Significance.

NM_001793.6(CDH3):c.2485G>A (p.Asp829Asn)

Gene: CDH3 (cadherin 3; plus strand). Cytogenetic location: 16q22.1.
Variant type: single nucleotide variant.
Coding change: c.2485G>A on transcript NM_001793.6 (MANE Select); coding-DNA position 2485, G replaced by A.
Protein change: p.Asp829Asn; replaces aspartic acid 829 with asparagine.
Molecular consequence: missense variant. On other transcripts: 3 prime UTR variant (1).
Genome position (GRCh38, 1-based): chr16:68,698,395, G>A. VCF-style: chr16-68698395-G-A. GRCh37 (hg19) VCF-style: chr16-68732298-G-A.
Other names: c.*228G>A (NM_001317195.3); c.2320G>A, p.Asp774Asn (NM_001317196.2); short protein forms D829N, D774N.
Identifiers: ClinVar variation 1933442 (VCV001933442.5), dbSNP rs771664763, ClinGen allele CA8129754.